The following is an entry in ClinVar:

NM_001365999.1(SZT2):c.4289C>T (p.Ala1430Val)

Gene: SZT2 (SZT2 subunit of KICSTOR complex; plus strand). Cytogenetic location: 1p34.2.
Variant type: single nucleotide variant.
Coding change: c.4289C>T on transcript NM_001365999.1 (MANE Select); coding-DNA position 4289, C replaced by T.
Protein change: p.Ala1430Val; replaces alanine 1430 with valine.
Molecular consequence: missense variant.
Genome position (GRCh38, 1-based): chr1:43,429,825, C>T. VCF-style: chr1-43429825-C-T. GRCh37 (hg19) VCF-style: chr1-43895496-C-T.
Other names: c.4118C>T, p.Ala1373Val (NM_015284.4); short protein forms A1373V, A1430V.
Identifiers: ClinVar variation 1691621 (VCV001691621.3), dbSNP rs764822965, ClinGen allele CA809229.
Genomic context (GRCh38, chr1:43,429,825, plus strand): 5'-ACCCTGGGCCAGAGATCTCTCTGACAGATGTCTGCCAGCTCAGAGGAGAGGCCCATGGTG[C>T]CCTTCATAGCGTCATCCAGGTGGGAAGCTTGGGTGAGGGTAGAAGAGGTGTTAGAGTCCT-3'
Protein context (NP_001352928.1, residues 1420-1440): VCQLRGEAHG[Ala1430Val]LHSVIQEKFL

ClinVar aggregate classification (germline): Uncertain significance (1 of 4 stars; one submission).

Allele frequency attached by ClinVar (database versions not stated): gnomAD exomes below 0.00001; ExAC 0.00001.
gnomAD v4.1: 17 of 1,614,170 alleles (0.0011%); highest among the groups gnomAD compares: Non-Finnish European, 0.0014%; no homozygotes.

Submission:

GeneDx
Classification: Uncertain significance. Last evaluated: 2022-06-07. Review status: criteria provided, single submitter. Criteria: GeneDx Variant Classification Process June 2021. Collection method: clinical testing. Allele origin: germline. Affected: yes.
Comment: Not observed at significant frequency in large population cohorts (gnomAD); In silico analysis supports that this missense variant does not alter protein structure/function; Has not been previously published as pathogenic or benign to our knowledge